The following is an entry in ClinVar:

ClinVar aggregate classification (germline): Pathogenic. Review status: criteria provided, multiple submitters, no conflicts (2 of 4 stars). 12 submissions from 12 submitters: Pathogenic (10). 2 of the submissions do not count toward it. Last evaluated 2025-11-03.
ClinVar aggregate classification (oncogenicity): Likely oncogenic (1 of 4 stars; one submission).

Conditions:
KMT2D-related disorder. Also called: KMT2D-Related Disorders.
Kabuki syndrome. Also called: Kabuki make-up syndrome; NIIKAWA-KUROKI SYNDROME. Identifiers: Orphanet 2322, MedGen C0796004, MONDO:0016512.
Kabuki syndrome 1 (KABUK1). Also called: KMT2D-Related Kabuki Syndrome. Identifiers: Orphanet 2322, MedGen CN030661, MONDO:0007843, OMIM 147920.
Multiple myeloma (MM). Also called: Plasma cell myeloma; Multiple myeloma, somatic. Identifiers: Orphanet 29073, Orphanet 85443, MedGen C0026764, MeSH D009101, MONDO:0009693, OMIM 254500, HP:0006775.
Neoplasm. Also called: tumor; Neoplasms; Neoplasm (disease). Identifiers: MedGen C0027651, MeSH D009369, MONDO:0005070, HP:0002664.

Submissions (13):

Labcorp Genetics (formerly Invitae), Labcorp
Classification: Pathogenic for Kabuki syndrome. Last evaluated: 2025-11-03. Review status: criteria provided, single submitter. Criteria: Invitae Variant Classification Sherloc (09022015). Collection method: clinical testing. Allele origin: germline.
Comment: This sequence change creates a premature translational stop signal (p.Arg4282*) in the KMT2D gene. It is expected to result in an absent or disrupted protein product. Loss-of-function variants in KMT2D are known to be pathogenic (PMID: 22126750). This variant is not present in population databases (gnomAD no frequency). This premature translational stop signal has been observed in individual(s) with Kabuki syndrome (PMID: 24633898, 27530205). ClinVar contains an entry for this variant (Variation ID: 372805). For these reasons, this variant has been classified as Pathogenic.

Center for Genomic Medicine, Rigshospitalet, Copenhagen University Hospital
Classification: Likely oncogenic for Neoplasm. Last evaluated: 2025-03-04. Review status: criteria provided, single submitter. Criteria: ClinGen/CGC/VICC Guidelines for Oncogenicity, 2022. Collection method: clinical testing. Allele origin: somatic. Affected: yes.

Center of Human Genetics, Hôpital Erasme
Classification: Pathogenic for Kabuki syndrome 1. Last evaluated: 2025-01-01. Review status: criteria provided, single submitter. Criteria: ACMG Guidelines, 2015. Collection method: clinical testing. Allele origin: de novo. Affected: yes.

Department of Genetics, Rouen University Hospital, Normandy Center for Genomic and Personalized Medicine
Classification: Pathogenic for Kabuki syndrome 1. Last evaluated: 2024-08-27. Review status: criteria provided, single submitter. Criteria: ACMG Guidelines, 2015. Collection method: clinical testing. Allele origin: de novo. Affected: yes.

Daryl Scott Lab, Baylor College of Medicine
Classification: Pathogenic for Kabuki syndrome 1. Last evaluated: 2024-01-01. Review status: criteria provided, single submitter. Criteria: ACMG Guidelines, 2015. Collection method: clinical testing. Allele origin: de novo. Affected: yes. Observed: 1 heterozygote.
Comment: PVS1, PS2, PS3, PM2

Blueprint Genetics
Classification: Pathogenic for KMT2D-related disorders. Last evaluated: 2023-11-17. Review status: criteria provided, single submitter. Criteria: ACMG Guidelines, 2015. Collection method: clinical testing. Allele origin: germline. Affected: yes. Observed: 1 variant allele.

GeneDx
Classification: Pathogenic. Last evaluated: 2023-09-11. Review status: criteria provided, single submitter. Criteria: GeneDx Variant Classification Process June 2021. Collection method: clinical testing. Allele origin: germline. Affected: yes.
Comment: Nonsense variant predicted to result in protein truncation or nonsense mediated decay in a gene for which loss of function is a known mechanism of disease; Not observed at significant frequency in large population cohorts (gnomAD); This variant is associated with the following publications: (PMID: 24633898, 28973083)

PreventionGenetics, part of Exact Sciences
Classification: Pathogenic for KMT2D-related condition. Last evaluated: 2023-05-02. Review status: criteria provided, single submitter. Criteria: ACMG Guidelines, 2015. Collection method: clinical testing. Allele origin: germline.
Comment: The KMT2D c.12844C>T variant is predicted to result in premature protein termination (p.Arg4282*). This variant has been reported as a de novo pathogenic variant for Kabuki Syndrome (Micale et al. 2014. PubMed ID: 24633898; eTable 3, Meng et al. 2017. PubMed ID: 28973083). This variant has not been reported in a large population database, indicating this variant is rare. Nonsense variants in KMT2D are expected to be pathogenic. This variant is interpreted as pathogenic.

MGZ Medical Genetics Center
Classification: Pathogenic for Kabuki syndrome 1. Last evaluated: 2022-05-02. Review status: criteria provided, single submitter. Criteria: ACMG Guidelines, 2015. Collection method: clinical testing. Allele origin: germline. Affected: yes. Observed: 1 variant allele.
Comment: ACMG criteria applied: PVS1, PS2, PS4_MOD, PM2_SUP

Baylor Genetics
Classification: Pathogenic for Kabuki syndrome 1. Last evaluated: 2017-09-01. Review status: criteria provided, single submitter. Criteria: ACMG Guidelines, 2015. Collection method: clinical testing. Allele origin: de novo. Inheritance: Autosomal dominant inheritance. Affected: yes.

Eurofins Ntd Llc (ga)
Classification: Pathogenic. Last evaluated: 2017-03-14. Review status: criteria provided, single submitter. Criteria: EGL Classification Definitions 2015. Collection method: clinical testing. Allele origin: germline. Observed: 1 variant allele, 1 heterozygote.

Xiao lab, Department of Pathology, Memorial Sloan Kettering Cancer Center
Classification: Likely pathogenic for Multiple myeloma. Last evaluated: 2019-08-31. Review status: no assertion criteria provided. Collection method: clinical testing. Allele origin: somatic. Affected: yes. Not counted in ClinVar's aggregate classification.

Clinical Genomics Laboratory, Stanford Medicine
Classification: Pathogenic for Kabuki syndrome 1. Last evaluated: 2018-12-07. Review status: no assertion criteria provided. Collection method: clinical testing. Allele origin: germline. Inheritance: Autosomal dominant inheritance. Affected: yes. Not counted in ClinVar's aggregate classification.
Comment: The p.Arg4282* variant in the KMT2D has been identified in at least 4 individuals with Kabuki syndrome, which occurred de novo in 3 individuals (Micale et al., 2014; Schott et al., 2016; Meng et al., 2017; Cocciadiferro et al., 2018). The p.Arg4282* variant was absent from large population databases, including the Genome Aggregation Database. This variant leads to a premature stop codon in exon 39 of 54 coding exons, and is therefore predicted to result in nonsense-mediated decay resulting in a truncated or absent protein. Heterozygous loss of function is an established mechanism of disease for the KMT2D gene. These data were assesed using ACMG/AMP variant interpretation guidelines. In summary, there is sufficient evidence to classify the p.Arg4282* variant as pathogenic for autosomal dominant Kabuki syndrome based on the information above. [ACMG evidence codes used: PVS1, PS2, PM2]

Literature cited by the submitters: PubMed 22126750 (cited by Labcorp Genetics (formerly Invitae), Labcorp); PubMed 24633898 (cited by Labcorp Genetics (formerly Invitae), Labcorp); PubMed 27530205 (cited by Labcorp Genetics (formerly Invitae), Labcorp); PubMed 26366712 (cited by Center for Genomic Medicine, Rigshospitalet, Copenhagen University Hospital); PubMed 25326635 (cited by Baylor Genetics).

NM_003482.4(KMT2D):c.12844C>T (p.Arg4282Ter)

Gene: KMT2D (lysine methyltransferase 2D; minus strand). Cytogenetic location: 12q13.12.
Variant type: single nucleotide variant.
Coding change: c.12844C>T on transcript NM_003482.4 (MANE Select); coding-DNA position 12844, C replaced by T.
Protein change: p.Arg4282Ter; replaces arginine 4282 with a stop codon.
Molecular consequence: nonsense.
Genome position (GRCh38, 1-based): chr12:49,031,861, G>A on the plus strand (C>T on the coding strand, the complement: KMT2D is on the minus strand). VCF-style: chr12-49031861-G-A. GRCh37 (hg19) VCF-style: chr12-49425644-G-A.
Other names: short protein forms R4282*.
Identifiers: ClinVar variation 372805 (VCV000372805.21), dbSNP rs1057517992, ClinGen allele CA16042794.
Genomic context (GRCh38, chr12:49,031,861, plus strand): 5'-GGACTGGTCCTGTAGATAAGGCTCCTGGTGGGGCAGGGAGCCGGGGTGGGCCCTGAGGTC[G>A]AGGCCCTGCCCCTAGCTCCTGGAGGGGGCCTGTCTGTGGTCCAGGGAAGCCCCCAAGTTG-3'